The following is an entry in ClinVar:

NM_002074.5(GNB1):c.803A>T (p.Asn268Ile)

Gene: GNB1 (G protein subunit beta 1; minus strand). Cytogenetic location: 1p36.33.
Variant type: single nucleotide variant.
Coding change: c.803A>T on transcript NM_002074.5 (MANE Select); coding-DNA position 803, A replaced by T.
Protein change: p.Asn268Ile; replaces asparagine 268 with isoleucine.
Molecular consequence: missense variant.
Genome position (GRCh38, 1-based): chr1:1,789,166, T>A on the plus strand (A>T on the coding strand, the complement: GNB1 is on the minus strand). VCF-style: chr1-1789166-T-A. GRCh37 (hg19) VCF-style: chr1-1720605-T-A.
Other names: c.803A>T (NM_002074.4); c.503A>T, p.Asn168Ile (NM_001282538.2); c.803A>T, p.Asn268Ile (NM_001282539.2); short protein forms N268I, N168I.
Identifiers: ClinVar variation 1461454 (VCV001461454.7), dbSNP rs757342463, ClinGen allele CA337904256.

ClinVar aggregate classification (germline): Uncertain significance. Review status: criteria provided, multiple submitters, no conflicts (2 of 4 stars). 3 submissions from 3 submitters: Uncertain significance (3). Last evaluated 2025-09-03.

gnomAD v4.1: 4 of 1,613,990 alleles (0.00025%); highest among the groups gnomAD compares: Non-Finnish European, 0.00034%; no homozygotes.

Submissions (3):

Labcorp Genetics (formerly Invitae), Labcorp
Classification: Uncertain significance. Last evaluated: 2025-09-03. Review status: criteria provided, single submitter. Criteria: Invitae Variant Classification Sherloc (09022015). Collection method: clinical testing. Allele origin: germline.
Comment: This sequence change replaces asparagine, which is neutral and polar, with isoleucine, which is neutral and non-polar, at codon 268 of the GNB1 protein (p.Asn268Ile). This variant is not present in population databases (gnomAD no frequency). This variant has not been reported in the literature in individuals affected with GNB1-related conditions. ClinVar contains an entry for this variant (Variation ID: 1461454). Invitae Evidence Modeling of protein sequence and biophysical properties (such as structural, functional, and spatial information, amino acid conservation, physicochemical variation, residue mobility, and thermodynamic stability) indicates that this missense variant is not expected to disrupt GNB1 protein function with a negative predictive value of 80%. In summary, the available evidence is currently insufficient to determine the role of this variant in disease. Therefore, it has been classified as a Variant of Uncertain Significance.

Women's Health and Genetics/Laboratory Corporation of America, LabCorp
Classification: Uncertain significance. Last evaluated: 2025-03-12. Review status: criteria provided, single submitter. Criteria: LabCorp Variant Classification Summary - May 2015. Collection method: clinical testing. Allele origin: germline.
Comment: Variant summary: GNB1 c.803A>T (p.Asn268Ile) results in a non-conservative amino acid change in the encoded protein sequence. Three of five in-silico tools predict a damaging effect of the variant on protein function. The variant was absent in 251442 control chromosomes. The available data on variant occurrences in the general population are insufficient to allow any conclusion about variant significance. To our knowledge, no occurrence of c.803A>T in individuals affected with Intellectual Disability, Autosomal Dominant 42 and no experimental evidence demonstrating its impact on protein function have been reported. ClinVar contains an entry for this variant (Variation ID: 1461454). Based on the evidence outlined above, the variant was classified as uncertain significance.

GeneDx
Classification: Uncertain significance. Last evaluated: 2024-08-16. Review status: criteria provided, single submitter. Criteria: GeneDx Variant Classification Process June 2021. Collection method: clinical testing. Allele origin: germline. Affected: yes.
Comment: Not observed at significant frequency in large population cohorts (gnomAD); In silico analysis supports that this missense variant has a deleterious effect on protein structure/function; Has not been previously published as pathogenic or benign to our knowledge